The following is an entry in ClinVar:

ClinVar aggregate classification (germline): Uncertain significance. Review status: criteria provided, multiple submitters, no conflicts (2 of 4 stars). 5 submissions from 5 submitters: Uncertain significance (5). Last evaluated 2026-03-01.

Conditions:
Cardiovascular phenotype. Identifiers: MedGen CN230736.
Hereditary cancer-predisposing syndrome. Also called: Hereditary neoplastic syndrome; Neoplastic Syndromes, Hereditary; Tumor predisposition; Hereditary Cancer Syndrome. Identifiers: Orphanet 140162, MedGen C0027672, MeSH D009386, MONDO:0015356.
LZTR1-related schwannomatosis. Also called: Schwannomatosis 2; Schwannomatosis-2, susceptibility to. Identifiers: Orphanet 93921, MedGen C3810283, MONDO:0014299, OMIM 615670.

Allele frequency attached by ClinVar (database versions not stated): TOPMed 0.00001.

Submissions (5):

CeGaT Center for Human Genetics Tuebingen
Classification: Uncertain significance. Last evaluated: 2026-03-01. Review status: criteria provided, single submitter. Criteria: CeGaT Center For Human Genetics Tuebingen Variant Classification Criteria Version 2. Collection method: clinical testing. Allele origin: germline. Affected: yes. Observed: 1 variant allele.

Ambry Genetics
Classification: Uncertain significance for Cardiovascular phenotype; Hereditary cancer-predisposing syndrome. Last evaluated: 2025-10-28. Review status: criteria provided, single submitter. Criteria: Ambry Variant Classification Scheme 2023. Collection method: clinical testing. Allele origin: germline.
Comment: The p.Q564H variant (also known as c.1692G>T), located in coding exon 15 of the LZTR1 gene, results from a G to T substitution at nucleotide position 1692. The glutamine at codon 564 is replaced by histidine, an amino acid with highly similar properties. This amino acid position is highly conserved in available vertebrate species. In addition, this alteration is predicted to be tolerated by in silico analysis. Since supporting evidence is limited at this time, the clinical significance of this alteration remains unclear.

Labcorp Genetics (formerly Invitae), Labcorp
Classification: Uncertain significance. Last evaluated: 2025-08-03. Review status: criteria provided, single submitter. Criteria: Invitae Variant Classification Sherloc (09022015). Collection method: clinical testing. Allele origin: germline.
Comment: This sequence change replaces glutamine, which is neutral and polar, with histidine, which is basic and polar, at codon 564 of the LZTR1 protein (p.Gln564His). The frequency data for this variant in the population databases is considered unreliable, as metrics indicate poor data quality at this position in the gnomAD database. This variant has not been reported in the literature in individuals affected with LZTR1-related conditions. ClinVar contains an entry for this variant (Variation ID: 1778166). Invitae Evidence Modeling of protein sequence and biophysical properties (such as structural, functional, and spatial information, amino acid conservation, physicochemical variation, residue mobility, and thermodynamic stability) indicates that this missense variant is not expected to disrupt LZTR1 protein function with a negative predictive value of 80%. In summary, the available evidence is currently insufficient to determine the role of this variant in disease. Therefore, it has been classified as a Variant of Uncertain Significance.

Baylor Genetics
Classification: Uncertain significance for LZTR1-related schwannomatosis. Last evaluated: 2023-09-23. Review status: criteria provided, single submitter. Criteria: ACMG Guidelines, 2015. Collection method: clinical testing. Allele origin: unknown.

GeneDx
Classification: Uncertain significance. Last evaluated: 2023-03-20. Review status: criteria provided, single submitter. Criteria: GeneDx Variant Classification Process June 2021. Collection method: clinical testing. Allele origin: germline. Affected: yes.
Comment: Not observed at significant frequency in large population cohorts (gnomAD); In silico analysis supports that this missense variant does not alter protein structure/function; Has not been previously published as pathogenic or benign to our knowledge

NM_006767.4(LZTR1):c.1692G>T (p.Gln564His)

Gene: LZTR1 (leucine zipper like post translational regulator 1; plus strand). Cytogenetic location: 22q11.21.
Variant type: single nucleotide variant.
Coding change: c.1692G>T on transcript NM_006767.4 (MANE Select); coding-DNA position 1692, G replaced by T.
Protein change: p.Gln564His; replaces glutamine 564 with histidine.
Molecular consequence: missense variant.
Genome position (GRCh38, 1-based): chr22:20,994,634, G>T. VCF-style: chr22-20994634-G-T. GRCh37 (hg19) VCF-style: chr22-21348923-G-T.
Other names: short protein forms Q564H.
Identifiers: ClinVar variation 1778166 (VCV001778166.14), dbSNP rs1308149313, ClinGen allele CA410777824.